The following is an entry in ClinVar:

ClinVar aggregate classification (germline): Uncertain significance (1 of 4 stars; one submission).

Submission:

CeGaT Center for Human Genetics Tuebingen
Classification: Uncertain significance. Last evaluated: 2024-07-01. Review status: criteria provided, single submitter. Criteria: CeGaT Center For Human Genetics Tuebingen Variant Classification Criteria Version 2. Collection method: clinical testing. Allele origin: germline. Affected: yes. Observed: 1 variant allele.
Comment: SCN8A: PM2, PP2, BP4

NM_001330260.2(SCN8A):c.3427G>A (p.Val1143Ile)

Gene: SCN8A (sodium voltage-gated channel alpha subunit 8; plus strand). Cytogenetic location: 12q13.13.
Variant type: single nucleotide variant.
Coding change: c.3427G>A on transcript NM_001330260.2 (MANE Select); coding-DNA position 3427, G replaced by A.
Protein change: p.Val1143Ile; replaces valine 1143 with isoleucine.
Molecular consequence: missense variant.
Genome position (GRCh38, 1-based): chr12:51,769,922, G>A. VCF-style: chr12-51769922-G-A. GRCh37 (hg19) VCF-style: chr12-52163706-G-A.
Other names: c.3427G>A, p.Val1143Ile (NM_001177984.3, NM_001369788.1, NM_014191.4); short protein forms V1143I.
Identifiers: ClinVar variation 3257133 (VCV003257133.17).